The following is an entry in ClinVar:

ClinVar aggregate classification (germline): Uncertain significance (1 of 4 stars; one submission).

Conditions:
Neuroblastoma, susceptibility to, 3. Also called: ALK-Related Neuroblastic Tumor Susceptibility. Identifiers: Orphanet 635, MedGen C2751681, MONDO:0013083, OMIM 613014.

Allele frequency attached by ClinVar (database versions not stated): gnomAD exomes below 0.00001.
gnomAD v4.1: 1 of 1,614,080 alleles (0.000062%); highest among the groups gnomAD compares: South Asian, 0.0011%; no homozygotes.

Submission:

Labcorp Genetics (formerly Invitae), Labcorp
Classification: Uncertain significance for Neuroblastoma, susceptibility to, 3. Last evaluated: 2022-04-13. Review status: criteria provided, single submitter. Criteria: Invitae Variant Classification Sherloc (09022015). Collection method: clinical testing. Allele origin: germline.
Comment: In summary, the available evidence is currently insufficient to determine the role of this variant in disease. Therefore, it has been classified as a Variant of Uncertain Significance. Algorithms developed to predict the effect of missense changes on protein structure and function are either unavailable or do not agree on the potential impact of this missense change (SIFT: "Deleterious"; PolyPhen-2: "Benign"; Align-GVGD: "Class C55"). This variant has not been reported in the literature in individuals affected with ALK-related conditions. This variant is present in population databases (no rsID available, gnomAD 0.003%). This sequence change replaces serine, which is neutral and polar, with threonine, which is neutral and polar, at codon 758 of the ALK protein (p.Ser758Thr).

NM_004304.5(ALK):c.2272T>A (p.Ser758Thr)

Gene: ALK (ALK receptor tyrosine kinase; minus strand). Cytogenetic location: 2p23.2.
Variant type: single nucleotide variant.
Coding change: c.2272T>A on transcript NM_004304.5 (MANE Select); coding-DNA position 2272, T replaced by A.
Protein change: p.Ser758Thr; replaces serine 758 with threonine.
Molecular consequence: missense variant.
Genome position (GRCh38, 1-based): chr2:29,239,763, A>T on the plus strand (T>A on the coding strand, the complement: ALK is on the minus strand). VCF-style: chr2-29239763-A-T. GRCh37 (hg19) VCF-style: chr2-29462629-A-T.
Other names: short protein forms S758T.
Identifiers: ClinVar variation 2052982 (VCV002052982.4), dbSNP rs1358103780, ClinGen allele CA346474538.
Genomic context (GRCh38, chr2:29,239,763, plus strand): 5'-GCTGCCCAACCAGGATGTACAGCATGTCATCCTTCTCCAGGTTGAAGATGCCCAGCACAG[A>T]CACGCCGTGGGACCGCATCATGGTGTTCTTCCCGCCTTTCCCGCCAGCAGCTCCGTAGCC-3'
Protein context (NP_004295.2, residues 748-768): KNTMMRSHGV[Ser758Thr]VLGIFNLEKD